The following is an entry in ClinVar:

NM_001134888.3(RTL1):c.651C>T (p.Ile217=)

Gene: RTL1 (retrotransposon Gag like 1; minus strand). Cytogenetic location: 14q32.2.
Variant type: single nucleotide variant.
Coding change: c.651C>T on transcript NM_001134888.3 (MANE Select); coding-DNA position 651, C replaced by T.
Protein change: p.Ile217=; no amino-acid change (isoleucine 217 retained).
Molecular consequence: synonymous variant.
Genome position (GRCh38, 1-based): chr14:100,884,138, G>A on the plus strand (C>T on the coding strand, the complement: RTL1 is on the minus strand). VCF-style: chr14-100884138-G-A. GRCh37 (hg19) VCF-style: chr14-101350475-G-A.
Other names: c.651C>T, p.Ile217= (NM_001425285.1).
Identifiers: ClinVar variation 2644553 (VCV002644553.24), dbSNP rs150695048, ClinGen allele CA7347376.

ClinVar aggregate classification (germline): Likely benign (1 of 4 stars; one submission).

Allele frequency attached by ClinVar (database versions not stated): ESP Exome Variant Server 0.00110; 1000 Genomes Project 0.00220; 1000 Genomes Project 30x 0.00265.
gnomAD v4.1: 533 of 1,551,730 alleles (0.034%); highest among the groups gnomAD compares: African/African-American, 0.64%; 3 homozygotes.

Submission:

CeGaT Center for Human Genetics Tuebingen
Classification: Likely benign. Last evaluated: 2023-09-01. Review status: criteria provided, single submitter. Criteria: CeGaT Center For Human Genetics Tuebingen Variant Classification Criteria Version 2. Collection method: clinical testing. Allele origin: germline. Affected: yes. Observed: 1 variant allele.
Comment: RTL1: BP4, BP7